The following is an entry in ClinVar:

ClinVar aggregate classification (germline): Uncertain significance (1 of 4 stars; one submission).

Allele frequency attached by ClinVar (database versions not stated): gnomAD exomes 0.00001.
gnomAD v4.1: 10 of 1,614,230 alleles (0.00062%); highest among the groups gnomAD compares: Non-Finnish European, 0.00076%; no homozygotes.

Submission:

Labcorp Genetics (formerly Invitae), Labcorp
Classification: Uncertain significance. Last evaluated: 2024-03-24. Review status: criteria provided, single submitter. Criteria: Invitae Variant Classification Sherloc (09022015). Collection method: clinical testing. Allele origin: germline.
Comment: This sequence change replaces tyrosine, which is neutral and polar, with phenylalanine, which is neutral and non-polar, at codon 432 of the ABL1 protein (p.Tyr432Phe). This variant is not present in population databases (gnomAD no frequency). This variant has not been reported in the literature in individuals affected with ABL1-related conditions. Advanced modeling of protein sequence and biophysical properties (such as structural, functional, and spatial information, amino acid conservation, physicochemical variation, residue mobility, and thermodynamic stability) has been performed at Invitae for this missense variant, however the output from this modeling did not meet the statistical confidence thresholds required to predict the impact of this variant on ABL1 protein function. In summary, the available evidence is currently insufficient to determine the role of this variant in disease. Therefore, it has been classified as a Variant of Uncertain Significance.

NM_005157.6(ABL1):c.1238A>T (p.Tyr413Phe)

Gene: ABL1 (ABL proto-oncogene 1, non-receptor tyrosine kinase; plus strand). Cytogenetic location: 9q34.12.
Variant type: single nucleotide variant.
Coding change: c.1238A>T on transcript NM_005157.6 (MANE Select); coding-DNA position 1238, A replaced by T.
Protein change: p.Tyr413Phe; replaces tyrosine 413 with phenylalanine.
Molecular consequence: missense variant.
Genome position (GRCh38, 1-based): chr9:130,875,020, A>T. VCF-style: chr9-130875020-A-T. GRCh37 (hg19) VCF-style: chr9-133750407-A-T.
Other names: c.1295A>T, p.Tyr432Phe (NM_007313.3); short protein forms Y432F, Y413F.
Identifiers: ClinVar variation 2997303 (VCV002997303.3), dbSNP rs1831316740, ClinGen allele CA375250086.